The following is an entry in ClinVar:

NM_000465.4(BARD1):c.858A>G (p.Ile286Met)

Gene: BARD1 (BRCA1 associated RING domain 1; minus strand). Cytogenetic location: 2q35.
Variant type: single nucleotide variant.
Coding change: c.858A>G on transcript NM_000465.4 (MANE Select); coding-DNA position 858, A replaced by G.
Protein change: p.Ile286Met; replaces isoleucine 286 with methionine.
Molecular consequence: missense variant. On other transcripts: non-coding transcript variant (2), intron variant (3).
Genome position (GRCh38, 1-based): chr2:214,781,016, T>C on the plus strand (A>G on the coding strand, the complement: BARD1 is on the minus strand). VCF-style: chr2-214781016-T-C. GRCh37 (hg19) VCF-style: chr2-215645740-T-C.
Other names: c.801A>G, p.Ile267Met (NM_001282543.2); c.215+16045A>G (NM_001282545.2); c.364+11281A>G (NM_001282549.2); c.158+28396A>G (NM_001282548.2); c.858A>G (NM_000465.2); short protein forms I286M, I267M.
Identifiers: ClinVar variation 629880 (VCV000629880.14), dbSNP rs772845446, ClinGen allele CA2090372.

ClinVar aggregate classification (germline): Conflicting classifications of pathogenicity. Review status: criteria provided, conflicting classifications (1 of 4 stars). 3 submissions from 3 submitters: Uncertain significance (2); Likely benign (1). Last evaluated 2025-09-23.

Conditions:
Hereditary cancer-predisposing syndrome. Also called: Neoplastic Syndromes, Hereditary; Tumor predisposition; Hereditary neoplastic syndrome; Hereditary Cancer Syndrome. Identifiers: Orphanet 140162, MedGen C0027672, MeSH D009386, MONDO:0015356.
Familial cancer of breast. Also called: BREAST CANCER, FAMILIAL; Hereditary breast cancer; hereditary breast carcinoma. Identifiers: Orphanet 227535, MedGen C0346153, MONDO:0016419, OMIM 114480. Disease mechanism: loss of function.

Allele frequency attached by ClinVar (database versions not stated): gnomAD exomes below 0.00001; ExAC 0.00001.

Submissions (3):

Labcorp Genetics (formerly Invitae), Labcorp
Classification: Uncertain significance for Familial cancer of breast. Last evaluated: 2025-09-23. Review status: criteria provided, single submitter. Criteria: Invitae Variant Classification Sherloc (09022015). Collection method: clinical testing. Allele origin: germline.
Comment: This sequence change replaces isoleucine, which is neutral and non-polar, with methionine, which is neutral and non-polar, at codon 286 of the BARD1 protein (p.Ile286Met). The frequency data for this variant in the population databases is considered unreliable, as metrics indicate poor data quality at this position in the gnomAD database. This variant has not been reported in the literature in individuals affected with BARD1-related conditions. ClinVar contains an entry for this variant (Variation ID: 629880). An algorithm developed to predict the effect of missense changes on protein structure and function (PolyPhen-2) suggests that this variant is likely to be disruptive. In summary, the available evidence is currently insufficient to determine the role of this variant in disease. Therefore, it has been classified as a Variant of Uncertain Significance.

Ambry Genetics
Classification: Likely benign for Hereditary cancer-predisposing syndrome. Last evaluated: 2024-10-29. Review status: criteria provided, single submitter. Criteria: Ambry Variant Classification Scheme 2023. Collection method: clinical testing. Allele origin: germline.

Color Diagnostics, LLC DBA Color Health
Classification: Uncertain significance for Hereditary cancer-predisposing syndrome. Last evaluated: 2023-12-05. Review status: criteria provided, single submitter. Criteria: ACMG Guidelines, 2015. Collection method: clinical testing. Allele origin: germline.
Comment: This missense variant replaces isoleucine with methionine at codon 286 of the BARD1 protein. Computational prediction suggests that this variant may not impact protein structure and function (internally defined REVEL score threshold <= 0.5, PMID: 27666373). To our knowledge, functional studies have not been reported for this variant. This variant has not been reported in individuals affected with BARD1-related disorders in the literature. This variant has been identified in 1/249186 chromosomes in the general population by the Genome Aggregation Database (gnomAD). The available evidence is insufficient to determine the role of this variant in disease conclusively. Therefore, this variant is classified as a Variant of Uncertain Significance.